The following is an entry in ClinVar:

NM_006087.4(TUBB4A):c.271G>A (p.Val91Met)

Gene: TUBB4A (tubulin beta 4A class IVa; minus strand). Cytogenetic location: 19p13.3.
Variant type: single nucleotide variant.
Coding change: c.271G>A on transcript NM_006087.4 (MANE Select); coding-DNA position 271, G replaced by A.
Protein change: p.Val91Met; replaces valine 91 with methionine.
Molecular consequence: missense variant.
Genome position (GRCh38, 1-based): chr19:6,501,293, C>T on the plus strand (G>A on the coding strand, the complement: TUBB4A is on the minus strand). VCF-style: chr19-6501293-C-T. GRCh37 (hg19) VCF-style: chr19-6501304-C-T.
Other names: c.424G>A, p.Val142Met (NM_001289123.2); c.406G>A, p.Val136Met (NM_001289127.2); c.271G>A, p.Val91Met (NM_001289129.2); c.55G>A, p.Val19Met (NM_001289130.2, NM_001289131.2); short protein forms V142M, V91M, V136M, V19M.
Identifiers: ClinVar variation 847763 (VCV000847763.4), dbSNP rs1914520090, ClinGen allele CA403593727.

ClinVar aggregate classification (germline): Uncertain significance (1 of 4 stars; one submission).

Conditions:
Leukodystrophy, hypomyelinating, 6. Also called: Hypomyelination with Atrophy of Basal Ganglia and Cerebellum (H-ABC); LEUKODYSTROPHY, HYPOMYELINATING, WITH ATROPHY OF THE BASAL GANGLIA AND CEREBELLUM; TUBB4A-Associated Leukodystrophy. Identifiers: Orphanet 139441, MedGen C2676244, MONDO:0012905, OMIM 612438.

Allele frequency attached by ClinVar (database versions not stated): gnomAD exomes below 0.00001.

Submission:

Labcorp Genetics (formerly Invitae), Labcorp
Classification: Uncertain significance for Leukodystrophy, hypomyelinating, 6. Last evaluated: 2021-08-30. Review status: criteria provided, single submitter. Criteria: Invitae Variant Classification Sherloc (09022015). Collection method: clinical testing. Allele origin: germline.
Comment: This sequence change replaces valine with methionine at codon 91 of the TUBB4A protein (p.Val91Met). The valine residue is highly conserved and there is a small physicochemical difference between valine and methionine. This variant is not present in population databases (ExAC no frequency). This variant has not been reported in the literature in individuals affected with TUBB4A-related conditions. Algorithms developed to predict the effect of missense changes on protein structure and function are either unavailable or do not agree on the potential impact of this missense change (SIFT: "Deleterious"; PolyPhen-2: "Possibly Damaging"; Align-GVGD: "Class C0"). In summary, the available evidence is currently insufficient to determine the role of this variant in disease. Therefore, it has been classified as a Variant of Uncertain Significance.